The following is an entry in ClinVar:

NM_005159.5(ACTC1):c.55G>A (p.Val19Met)

Genes: ACTC1 (actin alpha cardiac muscle 1; minus strand), GJD2-DT (GJD2 divergent transcript; plus strand). Cytogenetic location: 15q14.
Variant type: single nucleotide variant.
Coding change: c.55G>A on transcript NM_005159.5 (MANE Select); coding-DNA position 55, G replaced by A.
Protein change: p.Val19Met; replaces valine 19 with methionine.
Molecular consequence: missense variant.
Genome position (GRCh38, 1-based): chr15:34,794,754, C>T on the plus strand (G>A on the coding strand, the complement: ACTC1 is on the minus strand). VCF-style: chr15-34794754-C-T. GRCh37 (hg19) VCF-style: chr15-35086955-C-T.
Other names: c.55G>A, p.Val19Met (NM_001406482.1, NM_001406483.1); short protein forms V19M.
Identifiers: ClinVar variation 3752643 (VCV003752643.2).

ClinVar aggregate classification (germline): Uncertain significance (1 of 4 stars; one submission).

Conditions:
Atrial septal defect 5 (ASD5). Identifiers: Orphanet 1478, MedGen C2748552, MONDO:0013011, OMIM 612794.
Hypertrophic cardiomyopathy 11. Also called: ACTC1-Related Familial Hypertrophic Cardiomyopathy. Identifiers: MedGen C2677506, MONDO:0012799, OMIM 612098.
Dilated cardiomyopathy 1R (CMD1R). Identifiers: Orphanet 154, Orphanet 54260, MedGen C3150681, MONDO:0013261, OMIM 613424.

Submission:

Labcorp Genetics (formerly Invitae), Labcorp
Classification: Uncertain significance for Dilated cardiomyopathy 1R; Hypertrophic cardiomyopathy 11; Atrial septal defect 5. Last evaluated: 2024-10-09. Review status: criteria provided, single submitter. Criteria: Invitae Variant Classification Sherloc (09022015). Collection method: clinical testing. Allele origin: germline.
Comment: This sequence change replaces valine, which is neutral and non-polar, with methionine, which is neutral and non-polar, at codon 19 of the ACTC1 protein (p.Val19Met). This variant is not present in population databases (gnomAD no frequency). This variant has not been reported in the literature in individuals affected with ACTC1-related conditions. Invitae Evidence Modeling of protein sequence and biophysical properties (such as structural, functional, and spatial information, amino acid conservation, physicochemical variation, residue mobility, and thermodynamic stability) indicates that this missense variant is not expected to disrupt ACTC1 protein function with a negative predictive value of 80%. In summary, the available evidence is currently insufficient to determine the role of this variant in disease. Therefore, it has been classified as a Variant of Uncertain Significance.